The following is an entry in ClinVar:

NM_019109.5(ALG1):c.920_921del (p.Leu307fs)

Gene: ALG1 (ALG1 chitobiosyldiphosphodolichol beta-mannosyltransferase; plus strand). Cytogenetic location: 16p13.3.
Variant type: Deletion.
Coding change: c.920_921del on transcript NM_019109.5 (MANE Select); coding-DNA positions 920 to 921, 2 bases deleted (TT; older notation c.920_921delTT).
Protein change: p.Leu307fs; shifts the reading frame from leucine 307.
Molecular consequence: frameshift variant.
Genome position (GRCh38, 1-based): chr16:5,079,766-5,079,767, TT deleted. VCF-style (leftmost placement, unchanged base first): chr16-5079765-CTT-C. GRCh37 (hg19) VCF-style: chr16-5129766-CTT-C.
Other names: c.587_588del, p.Leu196fs (NM_001330504.2); short protein forms L307fs, L196fs.
Identifiers: ClinVar variation 2773133 (VCV002773133.3), dbSNP rs2505866040, ClinGen allele CA2697549686.

ClinVar aggregate classification (germline): Pathogenic (1 of 4 stars; one submission).

Conditions:
ALG1-congenital disorder of glycosylation. Also called: ALG1-CDG; CONGENITAL DISORDER OF GLYCOSYLATION, TYPE Ik; CDG Ik. Identifiers: Orphanet 79327, MedGen C2931005, MONDO:0012052, OMIM 608540.

Submission:

Labcorp Genetics (formerly Invitae), Labcorp
Classification: Pathogenic for ALG1-congenital disorder of glycosylation. Last evaluated: 2023-11-01. Review status: criteria provided, single submitter. Criteria: Invitae Variant Classification Sherloc (09022015). Collection method: clinical testing. Allele origin: germline.
Comment: This sequence change creates a premature translational stop signal (p.Leu307Argfs*23) in the ALG1 gene. It is expected to result in an absent or disrupted protein product. Loss-of-function variants in ALG1 are known to be pathogenic (PMID: 20679665, 23806237). This variant is not present in population databases (gnomAD no frequency). This variant has not been reported in the literature in individuals affected with ALG1-related conditions. For these reasons, this variant has been classified as Pathogenic.

Literature cited by the submitters: PubMed 20679665; PubMed 23806237.